The following is an entry in ClinVar:

ClinVar aggregate classification (germline): Likely benign. Review status: criteria provided, multiple submitters, no conflicts (2 of 4 stars). 2 submissions from 2 submitters: Likely benign (2). Last evaluated 2024-10-24.

Conditions:
NPHP1-related disorder. Also called: NPHP1-related condition; NPHP1-related disorders.
Nephronophthisis. Also called: Juvenile Nephronophthisis. Identifiers: Orphanet 655, MedGen C0687120, MONDO:0019005, HP:0000090.

Allele frequency attached by ClinVar (database versions not stated): gnomAD 0.00001; TOPMed 0.00002; gnomAD exomes 0.00003.
gnomAD v4.1: 44 of 1,612,548 alleles (0.0027%); highest among the groups gnomAD compares: Non-Finnish European, 0.0037%; no homozygotes.

Submissions (2):

PreventionGenetics, part of Exact Sciences
Classification: Likely benign for NPHP1-related condition. Last evaluated: 2024-10-24. Review status: criteria provided, single submitter. Criteria: ACMG Guidelines, 2015. Collection method: clinical testing. Allele origin: germline.
Comment: This variant is classified as likely benign based on ACMG/AMP sequence variant interpretation guidelines (Richards et al. 2015 PMID: 25741868, with internal and published modifications).

Labcorp Genetics (formerly Invitae), Labcorp
Classification: Likely benign for Nephronophthisis. Last evaluated: 2024-01-21. Review status: criteria provided, single submitter. Criteria: Invitae Variant Classification Sherloc (09022015). Collection method: clinical testing. Allele origin: germline.

NM_001128178.3(NPHP1):c.792G>A (p.Val264=)

Gene: NPHP1 (nephrocystin 1; minus strand). Cytogenetic location: 2q13.
Variant type: single nucleotide variant.
Coding change: c.792G>A on transcript NM_001128178.3 (MANE Select); coding-DNA position 792, G replaced by A.
Protein change: p.Val264=; no amino-acid change (valine 264 retained).
Molecular consequence: synonymous variant.
Genome position (GRCh38, 1-based): chr2:110,163,115, C>T on the plus strand (G>A on the coding strand, the complement: NPHP1 is on the minus strand). VCF-style: chr2-110163115-C-T. GRCh37 (hg19) VCF-style: chr2-110920692-C-T.
Other names: c.960G>A (NM_000272.3); c.960G>A, p.Val320= (NM_000272.5); c.603G>A, p.Val201= (NM_001128179.3); c.789G>A, p.Val263= (NM_001374256.1); c.792G>A, p.Val264= (NM_001374257.1); c.957G>A, p.Val319= (NM_207181.4).
Identifiers: ClinVar variation 1964893 (VCV001964893.6), dbSNP rs1380336668, ClinGen allele CA427918775.